The following is an entry in ClinVar:

NM_058216.3(RAD51C):c.942C>T (p.Ile314=)

Gene: RAD51C (RAD51 paralog C; plus strand). Cytogenetic location: 17q22.
Variant type: single nucleotide variant.
Coding change: c.942C>T on transcript NM_058216.3 (MANE Select); coding-DNA position 942, C replaced by T.
Protein change: p.Ile314=; no amino-acid change (isoleucine 314 retained).
Molecular consequence: synonymous variant. On other transcripts: non-coding transcript variant (1).
Genome position (GRCh38, 1-based): chr17:58,724,077, C>T. VCF-style: chr17-58724077-C-T. GRCh37 (hg19) VCF-style: chr17-56801438-C-T.
Identifiers: ClinVar variation 3903750 (VCV003903750.1).

ClinVar aggregate classification (germline): Benign (1 of 4 stars; one submission).

Conditions:
Breast-ovarian cancer, familial, susceptibility to, 3. Also called: RAD51C-Related Breast/Ovarian Cancer. Identifiers: Orphanet 145, MedGen C3150659, MONDO:0013253, OMIM 613399.

Submission:

Myriad Genetics, Inc.
Classification: Benign for Breast-ovarian cancer, familial, susceptibility to, 3. Last evaluated: 2025-02-19. Review status: criteria provided, single submitter. Criteria: Myriad Autosomal Dominant, Autosomal Recessive and X-Linked Classification Criteria (2023). Collection method: clinical testing. Allele origin: unknown.
Comment: This variant is considered benign. This variant is a silent/synonymous amino acid change and it is not expected to impact splicing.